The following is an entry in ClinVar:

ClinVar aggregate classification (germline): Uncertain significance. Review status: criteria provided, multiple submitters, no conflicts (2 of 4 stars). 4 submissions from 4 submitters: Uncertain significance (3). 1 of the submissions does not count toward it. Last evaluated 2024-01-18.

Conditions:
Usher syndrome type 1F (USH1F). Also called: USHER SYNDROME, TYPE IF. Identifiers: Orphanet 231169, Orphanet 886, MedGen C1865885, MONDO:0011186, OMIM 602083.

Allele frequency attached by ClinVar (database versions not stated): TOPMed 0.00001; ExAC 0.00002; gnomAD exomes 0.00003.
gnomAD v4.1: 13 of 1,597,076 alleles (0.00081%); highest among the groups gnomAD compares: Middle Eastern, 0.017%; no homozygotes.

Submissions (4):

Labcorp Genetics (formerly Invitae), Labcorp
Classification: Uncertain significance. Last evaluated: 2024-01-18. Review status: criteria provided, single submitter. Criteria: Invitae Variant Classification Sherloc (09022015). Collection method: clinical testing. Allele origin: germline.
Comment: This sequence change replaces proline, which is neutral and non-polar, with threonine, which is neutral and polar, at codon 1760 of the PCDH15 protein (p.Pro1760Thr). The frequency data for this variant in the population databases is considered unreliable, as metrics indicate poor data quality at this position in the gnomAD database. This variant has not been reported in the literature in individuals affected with PCDH15-related conditions. ClinVar contains an entry for this variant (Variation ID: 46490). Experimental studies and prediction algorithms are not available or were not evaluated, and the functional significance of this variant is currently unknown. In summary, the available evidence is currently insufficient to determine the role of this variant in disease. Therefore, it has been classified as a Variant of Uncertain Significance.

Laboratory for Molecular Medicine, Mass General Brigham Personalized Medicine
Classification: Uncertain significance. Last evaluated: 2011-03-23. Review status: criteria provided, single submitter. Criteria: LMM Criteria. Collection method: clinical testing. Allele origin: germline. Observed: 1 variant allele.
Comment: Variant classified as Uncertain Significance - Favor Benign. The Pro1760Thr vari ant in PCDH15 has not been reported in the literature nor previously identified by our laboratory. Computational analyses (biochemical amino acid properties, ho mology, PolyPhen2, SIFT, AlignGVGD) do not provide strong support for or against pathogenicity. It should be noted that this lab has only sequenced the PCDH15 i n 23 Hispanic probands and no Hispanic healthy controls. In addition, healthy co ntrol information is unavailable from either public databases or scientific lite rature, such that the full spectrum of benign variation has not yet been defined for this population. Future analysis could reveal that the Pro1760Thr variant i s common in this population and therefore unlikely to be pathogenic. In summary, the clinical significance of this variant cannot be determined with certainty a t this time.

Breakthrough Genomics
Classification: Uncertain significance. Review status: criteria provided, single submitter. Criteria: ACMG Guidelines, 2015. Collection method: not provided. Allele origin: germline. Inheritance: Autosomal recessive inheritance. Affected: yes.

Natera, Inc.
Classification: Uncertain significance for Usher syndrome type 1F. Last evaluated: 2019-11-11. Review status: no assertion criteria provided. Collection method: clinical testing. Allele origin: germline. Not counted in ClinVar's aggregate classification.

NM_033056.4(PCDH15):c.5278C>A (p.Pro1760Thr)

Gene: PCDH15 (protocadherin related 15; minus strand). Cytogenetic location: 10q21.1.
Variant type: single nucleotide variant.
Coding change: c.5278C>A on transcript NM_033056.4 (MANE Plus Clinical); coding-DNA position 5278, C replaced by A.
Protein change: p.Pro1760Thr; replaces proline 1760 with threonine.
Molecular consequence: missense variant. On other transcripts: intron variant (8).
Genome position (GRCh38, 1-based): chr10:53,822,448, G>T on the plus strand (C>A on the coding strand, the complement: PCDH15 is on the minus strand). VCF-style: chr10-53822448-G-T. GRCh37 (hg19) VCF-style: chr10-55582208-G-T.
Other names: c.5218C>A, p.Pro1740Thr (NM_001142768.2); c.5209C>A, p.Pro1737Thr (NM_001142773.2); c.5212C>A, p.Pro1738Thr (NM_001354404.2); c.4367+4945C>A (NM_001354420.2); c.4368-4435C>A (NM_001354429.2); c.4368-2218C>A (NM_001384140.1); c.4373+2688C>A (NM_001142772.2, NM_001142770.3); c.4388+2688C>A (NM_001142771.2); and 7 more; short protein forms P1760T, P1720T, P1737T, P1738T, P1691T, P1740T, P1757T, P1762T.
Identifiers: ClinVar variation 46490 (VCV000046490.10), dbSNP rs397517464, ClinGen allele CA138453.